The following is an entry in ClinVar:

NM_000789.4(ACE):c.599T>C (p.Leu200Pro)

Gene: ACE (angiotensin I converting enzyme; plus strand). Cytogenetic location: 17q23.3.
Variant type: single nucleotide variant.
Coding change: c.599T>C on transcript NM_000789.4 (MANE Select); coding-DNA position 599, T replaced by C.
Protein change: p.Leu200Pro; replaces leucine 200 with proline.
Molecular consequence: missense variant. On other transcripts: intron variant (2).
Genome position (GRCh38, 1-based): chr17:63,479,856, T>C. VCF-style: chr17-63479856-T-C. GRCh37 (hg19) VCF-style: chr17-61557217-T-C.
Other names: c.-197-481T>C (NM_001382701.1); c.183-481T>C (NM_001382700.1); short protein forms L200P.
Identifiers: ClinVar variation 2128434 (VCV002128434.4), dbSNP rs2510684695, ClinGen allele CA400543383.
Genomic context (GRCh38, chr17:63,479,856, plus strand): 5'-GAAGCTACGCCATGCTCCTGTTTGCCTGGGAGGGCTGGCACAACGCTGCGGGCATCCCGC[T>C]GAAACCGCTGTACGAGGATTTCACTGCCCTCAGCAATGAAGCCTACAAGCAGGACGGTGA-3'
Protein context (NP_000780.1, residues 190-210): EGWHNAAGIP[Leu200Pro]KPLYEDFTAL

ClinVar aggregate classification (germline): Uncertain significance (1 of 4 stars; one submission).

Submission:

Labcorp Genetics (formerly Invitae), Labcorp
Classification: Uncertain significance. Last evaluated: 2024-09-05. Review status: criteria provided, single submitter. Criteria: Invitae Variant Classification Sherloc (09022015). Collection method: clinical testing. Allele origin: germline.
Comment: This sequence change replaces leucine, which is neutral and non-polar, with proline, which is neutral and non-polar, at codon 200 of the ACE protein (p.Leu200Pro). This variant is not present in population databases (gnomAD no frequency). This variant has not been reported in the literature in individuals affected with ACE-related conditions. ClinVar contains an entry for this variant (Variation ID: 2128434). Invitae Evidence Modeling of protein sequence and biophysical properties (such as structural, functional, and spatial information, amino acid conservation, physicochemical variation, residue mobility, and thermodynamic stability) indicates that this missense variant is not expected to disrupt ACE protein function with a negative predictive value of 80%. In summary, the available evidence is currently insufficient to determine the role of this variant in disease. Therefore, it has been classified as a Variant of Uncertain Significance.